The following is an entry in ClinVar:

NM_014336.5(AIPL1):c.538G>A (p.Val180Ile)

Gene: AIPL1 (AIP like 1 HSP90 co-chaperone; minus strand). Cytogenetic location: 17p13.2.
Variant type: single nucleotide variant.
Coding change: c.538G>A on transcript NM_014336.5 (MANE Select); coding-DNA position 538, G replaced by A.
Protein change: p.Val180Ile; replaces valine 180 with isoleucine.
Molecular consequence: missense variant.
Genome position (GRCh38, 1-based): chr17:6,426,985, C>T on the plus strand (G>A on the coding strand, the complement: AIPL1 is on the minus strand). VCF-style: chr17-6426985-C-T. GRCh37 (hg19) VCF-style: chr17-6330305-C-T.
Other names: c.349G>A, p.Val117Ile (NM_001033054.3); c.358G>A, p.Val120Ile (NM_001033055.3); c.502G>A, p.Val168Ile (NM_001285399.3); c.472G>A, p.Val158Ile (NM_001285400.3); c.538G>A, p.Val180Ile (NM_001285401.3); c.421G>A, p.Val141Ile (NM_001285402.2); c.514G>A, p.Val172Ile (NM_001285403.4); short protein forms V168I, V117I, V141I, V172I, V158I, V180I, V120I.
Identifiers: ClinVar variation 890664 (VCV000890664.6), dbSNP rs761059176, ClinGen allele CA8328477.

ClinVar aggregate classification (germline): Uncertain significance. Review status: criteria provided, multiple submitters, no conflicts (2 of 4 stars). 4 submissions from 3 submitters: Uncertain significance (4). Last evaluated 2024-11-13.

Conditions:
Retinitis pigmentosa (RP). Identifiers: Orphanet 791, MedGen C0035334, MeSH D012174, MONDO:0019200, OMIM 268000. Inheritance: Autosomal dominant, autosomal recessive and X linked inheritance.
Leber congenital amaurosis 4 (LCA4). Identifiers: MedGen C1858386, MONDO:0011458, OMIM 604393.

Allele frequency attached by ClinVar (database versions not stated): gnomAD exomes 0.00002 and 0.00004; ExAC 0.00005.
gnomAD v4.1: 29 of 1,614,162 alleles (0.0018%); highest among the groups gnomAD compares: South Asian, 0.015%; no homozygotes.

Submissions (4):

Blueprint Genetics
Classification: Uncertain significance. Last evaluated: 2024-11-13. Review status: criteria provided, single submitter. Criteria: ACMG Guidelines, 2015. Collection method: clinical testing. Allele origin: germline.

Labcorp Genetics (formerly Invitae), Labcorp
Classification: Uncertain significance for Leber congenital amaurosis 4. Last evaluated: 2022-06-14. Review status: criteria provided, single submitter. Criteria: Invitae Variant Classification Sherloc (09022015). Collection method: clinical testing. Allele origin: germline.
Comment: This sequence change replaces valine, which is neutral and non-polar, with isoleucine, which is neutral and non-polar, at codon 180 of the AIPL1 protein (p.Val180Ile). This variant is present in population databases (rs761059176, gnomAD 0.02%). This variant has not been reported in the literature in individuals affected with AIPL1-related conditions. ClinVar contains an entry for this variant (Variation ID: 890664). Algorithms developed to predict the effect of missense changes on protein structure and function output the following: SIFT: "Tolerated"; PolyPhen-2: "Benign"; Align-GVGD: "Class C0". The isoleucine amino acid residue is found in multiple mammalian species, which suggests that this missense change does not adversely affect protein function. In summary, the available evidence is currently insufficient to determine the role of this variant in disease. Therefore, it has been classified as a Variant of Uncertain Significance.

Illumina Laboratory Services, Illumina
Classification: Uncertain significance for Retinitis pigmentosa. Last evaluated: 2018-01-13. Review status: criteria provided, single submitter. Criteria: ICSL Variant Classification Criteria 13 December 2019. Collection method: clinical testing. Allele origin: germline.

Illumina Laboratory Services, Illumina
Classification: Uncertain significance for Leber congenital amaurosis 4. Last evaluated: 2018-01-13. Review status: criteria provided, single submitter. Criteria: ICSL Variant Classification Criteria 13 December 2019. Collection method: clinical testing. Allele origin: germline.